The following is an entry in ClinVar:

ClinVar aggregate classification (germline): Conflicting classifications of pathogenicity. Review status: criteria provided, conflicting classifications (1 of 4 stars). 3 submissions from 3 submitters: Likely pathogenic (1); Uncertain significance (2). Last evaluated 2023-12-20.

Conditions:
AVPR2-related disorder. Also called: AVPR2-related condition.

Submissions (3):

Blueprint Genetics
Classification: Likely pathogenic for AVPR2-related disorders. Last evaluated: 2023-12-20. Review status: criteria provided, single submitter. Criteria: ACMG Guidelines, 2015. Collection method: clinical testing. Allele origin: germline. Affected: yes. Observed: 1 variant allele.

PreventionGenetics, part of Exact Sciences
Classification: Uncertain significance for AVPR2-related condition. Last evaluated: 2023-01-20. Review status: criteria provided, single submitter. Criteria: ACMG Guidelines, 2015. Collection method: clinical testing. Allele origin: germline.
Comment: The AVPR2 c.338G>T variant is predicted to result in the amino acid substitution p.Arg113Leu. To our knowledge, this variant has not been reported in the literature or in a large population database, indicating this variant is rare. Different substitutions affecting the same amino acid (p.Arg113Trp and p.Arg113Gln) have been reported to be causative for X-linked nephrogenic diabetes insipidus (Human Gene Mutation Database). Although we suspect that this variant may be pathogenic, at this time, the clinical significance of this variant is uncertain due to the absence of conclusive functional and genetic evidence.

Labcorp Genetics (formerly Invitae), Labcorp
Classification: Uncertain significance. Last evaluated: 2022-10-26. Review status: criteria provided, single submitter. Criteria: Invitae Variant Classification Sherloc (09022015). Collection method: clinical testing. Allele origin: germline.
Comment: This sequence change replaces arginine, which is basic and polar, with leucine, which is neutral and non-polar, at codon 113 of the AVPR2 protein (p.Arg113Leu). This variant is not present in population databases (gnomAD no frequency). This missense change has been observed in individual(s) with AVPR2-related conditions (Invitae). Advanced modeling of protein sequence and biophysical properties (such as structural, functional, and spatial information, amino acid conservation, physicochemical variation, residue mobility, and thermodynamic stability) performed at Invitae indicates that this missense variant is expected to disrupt AVPR2 protein function. This variant disrupts the p.Arg113 amino acid residue in AVPR2. Other variant(s) that disrupt this residue have been observed in individuals with AVPR2-related conditions (PMID: 33009446, 34101133; Invitae), which suggests that this may be a clinically significant amino acid residue. In summary, the available evidence is currently insufficient to determine the role of this variant in disease. Therefore, it has been classified as a Variant of Uncertain Significance.

Literature cited by the submitters: PubMed 33009446 (cited by Labcorp Genetics (formerly Invitae), Labcorp); PubMed 34101133 (cited by Labcorp Genetics (formerly Invitae), Labcorp).

NM_000054.7(AVPR2):c.338G>T (p.Arg113Leu)

Gene: AVPR2 (arginine vasopressin receptor 2; plus strand). Cytogenetic location: Xq28.
Variant type: single nucleotide variant.
Coding change: c.338G>T on transcript NM_000054.7 (MANE Select); coding-DNA position 338, G replaced by T.
Protein change: p.Arg113Leu; replaces arginine 113 with leucine.
Molecular consequence: missense variant.
Genome position (GRCh38, 1-based): chrX:153,905,844, G>T. VCF-style: chrX-153905844-G-T. GRCh37 (hg19) VCF-style: chrX-153171298-G-T.
Other names: c.338G>T, p.Arg113Leu (NM_001146151.3); c.338G>T (NM_000054.4); short protein forms R113L.
Identifiers: ClinVar variation 2036881 (VCV002036881.6), dbSNP rs2521153674, ClinGen allele CA415105202.